The following is an entry in ClinVar:

NM_000566.4(FCGR1A):c.1055A>T (p.Lys352Ile)

Genes: FCGR1A (Fc gamma receptor Ia; plus strand), H2BC18 (H2B clustered histone 18; minus strand). Cytogenetic location: 1q21.2.
Variant type: single nucleotide variant.
Coding change: c.1055A>T on transcript NM_000566.4 (MANE Select); coding-DNA position 1055, A replaced by T.
Protein change: p.Lys352Ile; replaces lysine 352 with isoleucine.
Molecular consequence: missense variant. On other transcripts: non-coding transcript variant (3), intron variant (1).
Genome position (GRCh38, 1-based): chr1:149,791,447, A>T. VCF-style: chr1-149791447-A-T. GRCh37 (hg19) VCF-style: chr1-149763003-A-T.
Other names: c.1058A>T, p.Lys353Ile (NM_001378804.1); c.1034A>T, p.Lys345Ile (NM_001378805.1); c.1004A>T, p.Lys335Ile (NM_001378806.1); c.986A>T, p.Lys329Ile (NM_001378807.1); c.803A>T, p.Lys268Ile (NM_001378808.1); c.800A>T, p.Lys267Ile (NM_001378809.1); c.779A>T, p.Lys260Ile (NM_001378810.1); c.728A>T, p.Lys243Ile (NM_001378811.1); and 1 more; short protein forms K243I, K260I, K267I, K268I, K329I, K335I, K345I, K352I.
Identifiers: ClinVar variation 3898245 (VCV003898245.7).
Genomic context (GRCh38, chr1:149,791,447, plus strand): 5'-GTCATGAGAAGAAGGTAATTTCCAGCCTTCAAGAAGACAGACATTTAGAAGAAGAGCTGA[A>T]ATGTCAGGAACAAAAAGAAGAACAGCTGCAGGAAGGGGTGCACCGGAAGGAGCCCCAGGG-3'
Protein context (NP_000557.1, residues 342-362): QEDRHLEEEL[Lys352Ile]CQEQKEEQLQ

ClinVar aggregate classification (germline): Likely benign (1 of 4 stars; one submission).

gnomAD v4.1: 3,661 of 1,606,864 alleles (0.23%); highest among the groups gnomAD compares: African/African-American, 4.2%; 64 homozygotes.

Submission:

CeGaT Center for Human Genetics Tuebingen
Classification: Likely benign. Last evaluated: 2025-04-01. Review status: criteria provided, single submitter. Criteria: CeGaT Center For Human Genetics Tuebingen Variant Classification Criteria Version 2. Collection method: clinical testing. Allele origin: germline. Affected: yes. Observed: 1 variant allele.
Comment: FCGR1A: BP4